The following is an entry in ClinVar:

ClinVar aggregate classification (germline): Likely benign. Review status: criteria provided, multiple submitters, no conflicts (2 of 4 stars). 3 submissions from 3 submitters: Likely benign (3). Last evaluated 2025-11-01.

Conditions:
Inborn genetic diseases. Identifiers: MedGen C0950123, MeSH D030342.

gnomAD v4.1: 93 of 1,548,648 alleles (0.006%); highest among the groups gnomAD compares: Non-Finnish European, 0.0076%; no homozygotes.

Submissions (3):

Labcorp Genetics (formerly Invitae), Labcorp
Classification: Likely benign. Last evaluated: 2025-11-01. Review status: criteria provided, single submitter. Criteria: Invitae Variant Classification Sherloc (09022015). Collection method: clinical testing. Allele origin: germline.

CeGaT Center for Human Genetics Tuebingen
Classification: Likely benign. Last evaluated: 2024-06-01. Review status: criteria provided, single submitter. Criteria: CeGaT Center For Human Genetics Tuebingen Variant Classification Criteria Version 2. Collection method: clinical testing. Allele origin: germline. Affected: yes. Observed: 1 variant allele.
Comment: ERCC2: BP4, BP7

Ambry Genetics
Classification: Likely benign for Inborn genetic diseases. Last evaluated: 2022-04-12. Review status: criteria provided, single submitter. Criteria: Ambry Variant Classification Scheme 2023. Collection method: clinical testing. Allele origin: germline.

NM_000400.4(ERCC2):c.1017C>T (p.Tyr339=)

Gene: ERCC2 (ERCC excision repair 2, TFIIH core complex helicase subunit; minus strand). Cytogenetic location: 19q13.32.
Variant type: single nucleotide variant.
Coding change: c.1017C>T on transcript NM_000400.4 (MANE Select); coding-DNA position 1017, C replaced by T.
Protein change: p.Tyr339=; no amino-acid change (tyrosine 339 retained).
Molecular consequence: synonymous variant.
Genome position (GRCh38, 1-based): chr19:45,363,844, G>A on the plus strand (C>T on the coding strand, the complement: ERCC2 is on the minus strand). VCF-style: chr19-45363844-G-A. GRCh37 (hg19) VCF-style: chr19-45867102-G-A.
Other names: c.945C>T, p.Tyr315= (NM_001130867.2).
Identifiers: ClinVar variation 1747538 (VCV001747538.19), dbSNP rs1412068236, ClinGen allele CA507821910.